The following is an entry in ClinVar:

ClinVar aggregate classification (germline): Conflicting classifications of pathogenicity. Review status: criteria provided, conflicting classifications (1 of 4 stars). 7 submissions from 6 submitters: Uncertain significance (1); Benign (3); Likely benign (2). 1 of the submissions does not count toward it. Last evaluated 2026-09-01.

Conditions:
Angiokeratoma corporis diffusum with arteriovenous fistulas. Identifiers: MedGen C1838141, MONDO:0010885, OMIM 600419.
KRIT1-related disorder. Also called: KRIT1-related disorders; KRIT1-related condition.
Cerebral cavernous malformation (CCM). Also called: Cavernous Hemangioma of Brain; Cerebral cavernous malformations; CAVERNOUS ANGIOMA, FAMILIAL; CAVERNOUS ANGIOMATOUS MALFORMATIONS; CEREBRAL CAPILLARY MALFORMATIONS; Cerebral cavernous hemangioma (type). Identifiers: Orphanet 221061, MedGen C2919945, MONDO:0000820, OMIM 116860, HP:0033522.

Allele frequency attached by ClinVar (database versions not stated): gnomAD 0.00138 and 0.00165; TOPMed 0.00155; gnomAD exomes 0.00291; 1000 Genomes Project 30x 0.00344; 1000 Genomes Project 0.00359.
gnomAD v4.1: 1,829 of 701,286 alleles (0.26%); highest among the groups gnomAD compares: South Asian, 0.96%; 17 homozygotes.

Submissions (7):

CeGaT Center for Human Genetics Tuebingen
Classification: Benign. Last evaluated: 2026-09-01. Review status: criteria provided, single submitter. Criteria: CeGaT Center For Human Genetics Tuebingen Variant Classification Criteria Version 2. Collection method: clinical testing. Allele origin: germline. Affected: yes. Observed: 5 variant alleles.
Comment: KRIT1: BS1, BS2

Labcorp Genetics (formerly Invitae), Labcorp
Classification: Benign for Cerebral cavernous malformation. Last evaluated: 2022-02-04. Review status: criteria provided, single submitter. Criteria: Invitae Variant Classification Sherloc (09022015). Collection method: clinical testing. Allele origin: germline.

New York Genome Center
Classification: Uncertain significance for Cerebral cavernous malformation. Last evaluated: 2021-01-29. Review status: criteria provided, single submitter. Criteria: NYGC Assertion Criteria 2020. Collection method: clinical testing. Allele origin: inherited. Observed: 1 heterozygote. Study: CSER-NYCKidSeq.

Mendelics
Classification: Benign for Cerebral cavernous malformation. Last evaluated: 2019-05-28. Review status: criteria provided, single submitter. Criteria: Mendelics Assertion Criteria 2017. Collection method: clinical testing. Allele origin: unknown.

Illumina Laboratory Services, Illumina
Classification: Likely benign for Angiokeratoma corporis diffusum with arteriovenous fistulas. Last evaluated: 2017-04-27. Review status: criteria provided, single submitter. Criteria: ICSL Variant Classification Criteria 13 December 2019. Collection method: clinical testing. Allele origin: germline.
Comment: This variant was observed as part of a predisposition screen in an ostensibly healthy population. A literature search was performed for the gene, cDNA change, and amino acid change (where applicable). No publications were found based on this search. Allele frequency data from public databases allowed determination this variant is unlikely to cause disease. Therefore, this variant is classified as likely benign.

Illumina Laboratory Services, Illumina
Classification: Likely benign for Cerebral cavernous malformation. Last evaluated: 2017-04-27. Review status: criteria provided, single submitter. Criteria: ICSL Variant Classification Criteria 13 December 2019. Collection method: clinical testing. Allele origin: germline.
Comment: the same text as in the submission from Illumina Laboratory Services, Illumina above.

PreventionGenetics, part of Exact Sciences
Classification: Likely benign for KRIT1-related condition. Last evaluated: 2023-11-22. Review status: no assertion criteria provided. Collection method: clinical testing. Allele origin: germline. Not counted in ClinVar's aggregate classification.
Comment: This variant is classified as likely benign based on ACMG/AMP sequence variant interpretation guidelines (Richards et al. 2015 PMID: 25741868, with internal and published modifications).

NM_194454.3(KRIT1):c.*132T>G

Gene: KRIT1 (KRIT1 ankyrin repeat containing; minus strand). Cytogenetic location: 7q21.2.
Variant type: single nucleotide variant.
Coding change: c.*132T>G on transcript NM_194454.3 (MANE Select); 132 bases downstream of the stop codon, T replaced by G.
Molecular consequence: 3 prime UTR variant.
Genome position (GRCh38, 1-based): chr7:92,200,604, A>C on the plus strand (T>G on the coding strand, the complement: KRIT1 is on the minus strand). VCF-style: chr7-92200604-A-C. GRCh37 (hg19) VCF-style: chr7-91829918-A-C.
Other names: c.*132T>G (NM_001013406.2, NM_001350669.1, NM_001350670.1 and 30 more transcripts).
Identifiers: ClinVar variation 360879 (VCV000360879.49), dbSNP rs572414111, ClinGen allele CA10629615.